The following is an entry in ClinVar:

NM_002335.4(LRP5):c.2079C>T (p.Asp693=)

Gene: LRP5 (LDL receptor related protein 5; plus strand). Cytogenetic location: 11q13.2.
Variant type: single nucleotide variant.
Coding change: c.2079C>T on transcript NM_002335.4 (MANE Select); coding-DNA position 2079, C replaced by T.
Protein change: p.Asp693=; no amino-acid change (aspartic acid 693 retained).
Molecular consequence: synonymous variant.
Genome position (GRCh38, 1-based): chr11:68,406,801, C>T. VCF-style: chr11-68406801-C-T. GRCh37 (hg19) VCF-style: chr11-68174269-C-T.
Other names: c.336C>T, p.Asp112= (NM_001291902.2).
Identifiers: ClinVar variation 1096430 (VCV001096430.25), dbSNP rs770364888, ClinGen allele CA6149518.

ClinVar aggregate classification (germline): Likely benign. Review status: criteria provided, multiple submitters, no conflicts (2 of 4 stars). 2 submissions from 2 submitters: Likely benign (2). Last evaluated 2025-04-11.

Allele frequency attached by ClinVar (database versions not stated): TOPMed below 0.00001; ExAC 0.00001; gnomAD exomes 0.00001.
gnomAD v4.1: 10 of 1,613,896 alleles (0.00062%); highest among the groups gnomAD compares: Admixed American, 0.005%; no homozygotes.

Submissions (2):

Labcorp Genetics (formerly Invitae), Labcorp
Classification: Likely benign. Last evaluated: 2025-04-11. Review status: criteria provided, single submitter. Criteria: Invitae Variant Classification Sherloc (09022015). Collection method: clinical testing. Allele origin: germline.

CeGaT Center for Human Genetics Tuebingen
Classification: Likely benign. Last evaluated: 2024-08-01. Review status: criteria provided, single submitter. Criteria: CeGaT Center For Human Genetics Tuebingen Variant Classification Criteria Version 2. Collection method: clinical testing. Allele origin: germline. Affected: yes. Observed: 1 variant allele.
Comment: LRP5: BP4, BP7